The following is an entry in ClinVar:

NC_000014.8:g.(?_105675811)_(105684137_?)del

Gene: BRF1 (BRF1 RNA polymerase III transcription initiation factor subunit; minus strand). Cytogenetic location: 14q32.33.
Variant type: Deletion.
Identifiers: ClinVar variation 1041612 (VCV001041612.5).

ClinVar aggregate classification (germline): Uncertain significance (1 of 4 stars; one submission).

Submission:

Labcorp Genetics (formerly Invitae), Labcorp
Classification: Uncertain significance. Last evaluated: 2017-10-06. Review status: criteria provided, single submitter. Criteria: Invitae Variant Classification Sherloc (09022015). Collection method: clinical testing. Allele origin: germline.
Comment: Experimental studies and prediction algorithms are not available for this variant, and the functional significance of the deleted amino acid(s) is currently unknown. In summary, the available evidence is currently insufficient to determine the role of this variant in disease. Therefore, it has been classified as a Variant of Uncertain Significance. This variant has not been reported in the literature in individuals with BRF1-related disease. This variant is a gross deletion of the genomic region encompassing exons 15-18 of the BRF1 gene. The 5' boundary is likely confined to intron 14. The 3' end of this event is unknown as it extends through the termination codon beyond the assayed region for this gene and may encompass additional genes. While this deletion is not anticipated to result in nonsense mediated decay, it is expected to create a truncated protein product or disrupt mRNA translation.